The following is an entry in ClinVar:

NM_003793.4(CTSF):c.1198A>G (p.Ile400Val)

Gene: CTSF (cathepsin F; minus strand). Cytogenetic location: 11q13.2.
Variant type: single nucleotide variant.
Coding change: c.1198A>G on transcript NM_003793.4 (MANE Select); coding-DNA position 1198, A replaced by G.
Protein change: p.Ile400Val; replaces isoleucine 400 with valine.
Molecular consequence: missense variant.
Genome position (GRCh38, 1-based): chr11:66,564,774, T>C on the plus strand (A>G on the coding strand, the complement: CTSF is on the minus strand). VCF-style: chr11-66564774-T-C. GRCh37 (hg19) VCF-style: chr11-66332245-T-C.
Other names: short protein forms I400V.
Identifiers: ClinVar variation 2164676 (VCV002164676.4), dbSNP rs780211076, ClinGen allele CA6125289.

ClinVar aggregate classification (germline): Uncertain significance (1 of 4 stars; one submission).

Conditions:
Neuronal ceroid lipofuscinosis 13 (CLN13). Also called: CLN13 Disease; CEROID LIPOFUSCINOSIS, NEURONAL, 13 (KUFS TYPE). Identifiers: Orphanet 352709, Orphanet 79262, MedGen C3715049, MONDO:0014147, OMIM 615362.

Allele frequency attached by ClinVar (database versions not stated): gnomAD exomes below 0.00001; gnomAD 0.00001; ExAC 0.00001; TOPMed 0.00001.
gnomAD v4.1: 7 of 1,613,826 alleles (0.00043%); highest among the groups gnomAD compares: Admixed American, 0.0017%; no homozygotes.

Submission:

Labcorp Genetics (formerly Invitae), Labcorp
Classification: Uncertain significance for Neuronal ceroid lipofuscinosis 13. Last evaluated: 2022-09-29. Review status: criteria provided, single submitter. Criteria: Invitae Variant Classification Sherloc (09022015). Collection method: clinical testing. Allele origin: germline.
Comment: This sequence change replaces isoleucine, which is neutral and non-polar, with valine, which is neutral and non-polar, at codon 400 of the CTSF protein (p.Ile400Val). This variant is present in population databases (rs780211076, gnomAD 0.003%). This variant has not been reported in the literature in individuals affected with CTSF-related conditions. Advanced modeling of protein sequence and biophysical properties (such as structural, functional, and spatial information, amino acid conservation, physicochemical variation, residue mobility, and thermodynamic stability) performed at Invitae indicates that this missense variant is not expected to disrupt CTSF protein function. In summary, the available evidence is currently insufficient to determine the role of this variant in disease. Therefore, it has been classified as a Variant of Uncertain Significance.